The following is an entry in ClinVar:

NM_017491.5(WDR1):c.1261G>A (p.Ala421Thr)

Gene: WDR1 (WD repeat domain 1; minus strand). Cytogenetic location: 4p16.1.
Variant type: single nucleotide variant.
Coding change: c.1261G>A on transcript NM_017491.5 (MANE Select); coding-DNA position 1261, G replaced by A.
Protein change: p.Ala421Thr; replaces alanine 421 with threonine.
Molecular consequence: missense variant.
Genome position (GRCh38, 1-based): chr4:10,081,380, C>T on the plus strand (G>A on the coding strand, the complement: WDR1 is on the minus strand). VCF-style: chr4-10081380-C-T. GRCh37 (hg19) VCF-style: chr4-10083004-C-T.
Other names: c.841G>A, p.Ala281Thr (NM_005112.5); short protein forms A281T, A421T.
Identifiers: ClinVar variation 2073674 (VCV002073674.3), dbSNP rs376269740, ClinGen allele CA2857661.

ClinVar aggregate classification (germline): Conflicting classifications of pathogenicity. Review status: criteria provided, conflicting classifications (1 of 4 stars). 3 submissions from 3 submitters: Uncertain significance (1); Likely benign (2). Last evaluated 2023-06-15.

Conditions:
Inborn genetic diseases. Identifiers: MedGen C0950123, MeSH D030342.

Allele frequency attached by ClinVar (database versions not stated): ExAC 0.00007; gnomAD exomes 0.00007; ESP Exome Variant Server 0.00008; gnomAD 0.00009.

Submissions (3):

Blueprint Genetics
Classification: Likely benign. Last evaluated: 2023-06-15. Review status: criteria provided, single submitter. Criteria: ACMG Guidelines, 2015. Collection method: clinical testing. Allele origin: germline.

Labcorp Genetics (formerly Invitae), Labcorp
Classification: Uncertain significance. Last evaluated: 2022-09-13. Review status: criteria provided, single submitter. Criteria: Invitae Variant Classification Sherloc (09022015). Collection method: clinical testing. Allele origin: germline.
Comment: This sequence change replaces alanine, which is neutral and non-polar, with threonine, which is neutral and polar, at codon 421 of the WDR1 protein (p.Ala421Thr). This variant is present in population databases (rs376269740, gnomAD 0.01%). This variant has not been reported in the literature in individuals affected with WDR1-related conditions. Algorithms developed to predict the effect of missense changes on protein structure and function output the following: SIFT: "Tolerated"; PolyPhen-2: "Benign"; Align-GVGD: "Class C0". The threonine amino acid residue is found in multiple mammalian species, which suggests that this missense change does not adversely affect protein function. In summary, the available evidence is currently insufficient to determine the role of this variant in disease. Therefore, it has been classified as a Variant of Uncertain Significance.

Ambry Genetics
Classification: Likely benign for Inborn genetic diseases. Last evaluated: 2022-02-11. Review status: criteria provided, single submitter. Criteria: Ambry Variant Classification Scheme 2023. Collection method: clinical testing. Allele origin: germline.